The following is an entry in ClinVar:

NM_017739.4(POMGNT1):c.562A>G (p.Thr188Ala)

Genes: POMGNT1 (protein O-linked mannose N-acetylglucosaminyltransferase 1 (beta 1,2-); minus strand), TSPAN1 (tetraspanin 1; plus strand). Cytogenetic location: 1p34.1.
Variant type: single nucleotide variant.
Coding change: c.562A>G on transcript NM_017739.4 (MANE Select); coding-DNA position 562, A replaced by G.
Protein change: p.Thr188Ala; replaces threonine 188 with alanine.
Molecular consequence: missense variant.
Genome position (GRCh38, 1-based): chr1:46,194,934, T>C on the plus strand (A>G on the coding strand, the complement: POMGNT1 is on the minus strand). VCF-style: chr1-46194934-T-C. GRCh37 (hg19) VCF-style: chr1-46660606-T-C.
Other names: c.562A>G, p.Thr188Ala (NM_001243766.2, NM_001410783.1); c.496A>G, p.Thr166Ala (NM_001290129.3); c.133A>G, p.Thr45Ala (NM_001290130.2); short protein forms T188A, T166A, T45A.
Identifiers: ClinVar variation 954453 (VCV000954453.8), dbSNP rs868433749, ClinGen allele CA21917012.
Genomic context (GRCh38, chr1:46,194,934, plus strand): 5'-CCCTCCAGCCCAGGGCAGGGCCAGCCTGGCTGCCCAGGCTCCTCAGCAGAGCCTTGGCTG[T>C]GTCCTTGAGGTGGAAGGAGCCCTCATCCTGGGGGACCAGAGAAGGCAGTTAGCCTGACTG-3'
Protein context (NP_060209.4, residues 178-198): KDEGSFHLKD[Thr188Ala]AKALLRSLGS

ClinVar aggregate classification (germline): Uncertain significance. Review status: criteria provided, single submitter (1 of 4 stars). 2 submissions from 2 submitters: Uncertain significance (1). 1 of the submissions does not count toward it. Last evaluated 2022-07-12.

Conditions:
Autosomal recessive limb-girdle muscular dystrophy type 2O. Also called: MUSCULAR DYSTROPHY-DYSTROGLYCANOPATHY (LIMB-GIRDLE), TYPE C, 3; MUSCULAR DYSTROPHY-DYSTROGLYCANOPATHY, LIMB-GIRDLE, POMGNT1-RELATED; Limb-Girdle Muscular Dystrophy Type 3C. Identifiers: Orphanet 206564, MedGen C3150417, MONDO:0013161, OMIM 613157.
Muscular dystrophy-dystroglycanopathy (congenital with impaired intellectual development), type B, 3. Also called: Muscular dystrophy-dystroglycanopathy (congenital with intellectual disability), type B3; MUSCULAR DYSTROPHY, CONGENITAL, POMGNT1-RELATED. Identifiers: MedGen C3150412, MONDO:0013155, OMIM 613151.
Muscle eye brain disease (MEB). Also called: Santavuori congenital muscular dystrophy. Identifiers: Orphanet 588, Orphanet 899, MedGen C0457133, MONDO:0018939.

Allele frequency attached by ClinVar (database versions not stated): gnomAD exomes below 0.00001; TOPMed 0.00002; gnomAD 0.00001.
gnomAD v4.1: 4 of 1,614,022 alleles (0.00025%); highest among the groups gnomAD compares: African/African-American, 0.0053%; no homozygotes.

Submissions (2):

Labcorp Genetics (formerly Invitae), Labcorp
Classification: Uncertain significance for Autosomal recessive limb-girdle muscular dystrophy type 2O; Muscular dystrophy-dystroglycanopathy (congenital with impaired intellectual development), type B, 3. Last evaluated: 2022-07-12. Review status: criteria provided, single submitter. Criteria: Invitae Variant Classification Sherloc (09022015). Collection method: clinical testing. Allele origin: germline.
Comment: This sequence change replaces threonine, which is neutral and polar, with alanine, which is neutral and non-polar, at codon 188 of the POMGNT1 protein (p.Thr188Ala). This variant is present in population databases (no rsID available, gnomAD 0.01%). This variant has not been reported in the literature in individuals affected with POMGNT1-related conditions. ClinVar contains an entry for this variant (Variation ID: 954453). Advanced modeling of protein sequence and biophysical properties (such as structural, functional, and spatial information, amino acid conservation, physicochemical variation, residue mobility, and thermodynamic stability) performed at Invitae indicates that this missense variant is not expected to disrupt POMGNT1 protein function. In summary, the available evidence is currently insufficient to determine the role of this variant in disease. Therefore, it has been classified as a Variant of Uncertain Significance.

Natera, Inc.
Classification: Uncertain significance for Muscle-eye-brain disease. Last evaluated: 2020-12-01. Review status: no assertion criteria provided. Collection method: clinical testing. Allele origin: germline. Not counted in ClinVar's aggregate classification.